The following is an entry in ClinVar:

ClinVar aggregate classification (germline): Uncertain significance (1 of 4 stars; one submission).

Submission:

Labcorp Genetics (formerly Invitae), Labcorp
Classification: Uncertain significance. Last evaluated: 2022-08-23. Review status: criteria provided, single submitter. Criteria: Invitae Variant Classification Sherloc (09022015). Collection method: clinical testing. Allele origin: germline.
Comment: This variant is not present in population databases (gnomAD no frequency). In summary, the available evidence is currently insufficient to determine the role of this variant in disease. Therefore, it has been classified as a Variant of Uncertain Significance. Algorithms developed to predict the effect of missense changes on protein structure and function output the following: SIFT: "Tolerated"; PolyPhen-2: "Not Available"; Align-GVGD: "Class C0". The glycine amino acid residue is found in multiple mammalian species, which suggests that this missense change does not adversely affect protein function. ClinVar contains an entry for this variant (Variation ID: 1362840). This variant has not been reported in the literature in individuals affected with PTPN23-related conditions. This sequence change replaces alanine, which is neutral and non-polar, with glycine, which is neutral and non-polar, at codon 858 of the PTPN23 protein (p.Ala858Gly).

NM_015466.4(PTPN23):c.2573C>G (p.Ala858Gly)

Gene: PTPN23 (protein tyrosine phosphatase non-receptor type 23; plus strand). Cytogenetic location: 3p21.31.
Variant type: single nucleotide variant.
Coding change: c.2573C>G on transcript NM_015466.4 (MANE Select); coding-DNA position 2573, C replaced by G.
Protein change: p.Ala858Gly; replaces alanine 858 with glycine.
Molecular consequence: missense variant.
Genome position (GRCh38, 1-based): chr3:47,410,371, C>G. VCF-style: chr3-47410371-C-G. GRCh37 (hg19) VCF-style: chr3-47451861-C-G.
Other names: c.2195C>G, p.Ala732Gly (NM_001304482.2); short protein forms A732G, A858G.
Identifiers: ClinVar variation 1362840 (VCV001362840.8), dbSNP rs942663224, ClinGen allele CA73880393.